The following is an entry in ClinVar:

ClinVar aggregate classification (germline): Uncertain significance (1 of 4 stars; one submission).

Conditions:
Joubert syndrome. Also called: CEREBELLOPARENCHYMAL DISORDER IV; JOUBERT-BOLTSHAUSER SYNDROME; Familial aplasia of the vermis. Identifiers: Orphanet 475, MedGen C5979921, MONDO:0018772.
Meckel-Gruber syndrome. Also called: DYSENCEPHALIA SPLANCHNOCYSTICA; GRUBER SYNDROME; Dysencephalia splachnocystica. Identifiers: Orphanet 564, MedGen C0265215, MONDO:0018921.
Nephronophthisis. Also called: Juvenile Nephronophthisis. Identifiers: Orphanet 655, MedGen C0687120, MONDO:0019005, HP:0000090.

Allele frequency attached by ClinVar (database versions not stated): gnomAD exomes below 0.00001; ExAC 0.00001.
gnomAD v4.1: 2 of 1,611,530 alleles (0.00012%); highest among the groups gnomAD compares: Non-Finnish European, 0.000085%; no homozygotes.

Submission:

Labcorp Genetics (formerly Invitae), Labcorp
Classification: Uncertain significance for Joubert syndrome; Meckel-Gruber syndrome; Nephronophthisis. Last evaluated: 2022-08-05. Review status: criteria provided, single submitter. Criteria: Invitae Variant Classification Sherloc (09022015). Collection method: clinical testing. Allele origin: germline.
Comment: In summary, the available evidence is currently insufficient to determine the role of this variant in disease. Therefore, it has been classified as a Variant of Uncertain Significance. This sequence change replaces threonine, which is neutral and polar, with alanine, which is neutral and non-polar, at codon 1967 of the CEP290 protein (p.Thr1967Ala). The frequency data for this variant in the population databases is considered unreliable, as metrics indicate poor data quality at this position in the gnomAD database. This variant has not been reported in the literature in individuals affected with CEP290-related conditions. Algorithms developed to predict the effect of missense changes on protein structure and function output the following: SIFT: "Tolerated"; PolyPhen-2: "Benign"; Align-GVGD: "Class C0". The alanine amino acid residue is found in multiple mammalian species, which suggests that this missense change does not adversely affect protein function.

NM_025114.4(CEP290):c.5899A>G (p.Thr1967Ala)

Gene: CEP290 (centrosomal protein 290; minus strand). Cytogenetic location: 12q21.32.
Variant type: single nucleotide variant.
Coding change: c.5899A>G on transcript NM_025114.4 (MANE Select); coding-DNA position 5899, A replaced by G.
Protein change: p.Thr1967Ala; replaces threonine 1967 with alanine.
Molecular consequence: missense variant.
Genome position (GRCh38, 1-based): chr12:88,071,406, T>C on the plus strand (A>G on the coding strand, the complement: CEP290 is on the minus strand). VCF-style: chr12-88071406-T-C. GRCh37 (hg19) VCF-style: chr12-88465183-T-C.
Other names: short protein forms T1967A.
Identifiers: ClinVar variation 1980734 (VCV001980734.4), dbSNP rs750741976, ClinGen allele CA6711618.
Genomic context (GRCh38, chr12:88,071,406, plus strand): 5'-CCAATTCTTTTTCTGACTCCAAAGCTCGTATTCCCAAAACCTGATCAACAGTCATGCCAG[T>C]TGTTTTTAGTTTCCTCTGCAAAGTAAGTTTCTCTTTATCGGCTCTGTGGAATTTAATATA-3'
Protein context (NP_079390.3, residues 1957-1977): KLTLQRKLKT[Thr1967Ala]GMTVDQVLGI